The following is an entry in ClinVar:

ClinVar aggregate classification (germline): Likely benign. Review status: criteria provided, multiple submitters, no conflicts (2 of 4 stars). 2 submissions from 2 submitters: Likely benign (2). Last evaluated 2026-03-20.

Conditions:
Primary ciliary dyskinesia. Also called: Ciliary dyskinesia. Identifiers: Orphanet 244, MedGen C0008780, MONDO:0016575, HP:0012265.
RPGR-related disorder. Also called: RPGR-related condition.

Allele frequency attached by ClinVar (database versions not stated): gnomAD exomes 0.00001.
gnomAD v4.1: 9 of 1,209,804 alleles (0.00074%); highest among the groups gnomAD compares: Middle Eastern, 0.023%; no homozygotes.

Submissions (2):

PreventionGenetics, part of Exact Sciences
Classification: Likely benign for RPGR-related condition. Last evaluated: 2026-03-20. Review status: criteria provided, single submitter. Criteria: ACMG Guidelines, 2015. Collection method: clinical testing. Allele origin: germline.
Comment: This variant is classified as likely benign based on ACMG/AMP sequence variant interpretation guidelines (Richards et al. 2015 PMID: 25741868, with internal and published modifications).

Labcorp Genetics (formerly Invitae), Labcorp
Classification: Likely benign for Primary ciliary dyskinesia. Last evaluated: 2025-10-06. Review status: criteria provided, single submitter. Criteria: Invitae Variant Classification Sherloc (09022015). Collection method: clinical testing. Allele origin: germline.

NM_001034853.2(RPGR):c.1065T>C (p.Ala355=)

Gene: RPGR (retinitis pigmentosa GTPase regulator; minus strand). Cytogenetic location: Xp11.4.
Variant type: single nucleotide variant.
Coding change: c.1065T>C on transcript NM_001034853.2 (MANE Select); coding-DNA position 1065, T replaced by C.
Protein change: p.Ala355=; no amino-acid change (alanine 355 retained).
Molecular consequence: synonymous variant. On other transcripts: non-coding transcript variant (6), intron variant (2).
Genome position (GRCh38, 1-based): chrX:38,299,136, A>G on the plus strand (T>C on the coding strand, the complement: RPGR is on the minus strand). VCF-style: chrX-38299136-A-G. GRCh37 (hg19) VCF-style: chrX-38158389-A-G.
Other names: c.1065T>C, p.Ala355= (NM_000328.3, NM_001367247.1); c.1062T>C, p.Ala354= (NM_001367245.1, NM_001367249.1, NM_001367250.1); c.1095T>C, p.Ala365= (NM_001367248.1); c.1060-1684T>C (NM_001367251.1, NM_001367246.1); c.1065T>C (NM_001034853.1).
Identifiers: ClinVar variation 2181586 (VCV002181586.5), dbSNP rs1306705265, ClinGen allele CA515649702.